The following is an entry in ClinVar:

ClinVar aggregate classification (germline): Benign/Likely benign. Review status: criteria provided, multiple submitters, no conflicts (2 of 4 stars). 4 submissions from 4 submitters: Benign (3); Likely benign (1). Last evaluated 2026-01-05.

Conditions:
Hereditary cancer-predisposing syndrome. Also called: Hereditary Cancer Syndrome; Hereditary neoplastic syndrome; Tumor predisposition; Neoplastic Syndromes, Hereditary. Identifiers: Orphanet 140162, MedGen C0027672, MeSH D009386, MONDO:0015356.

Submissions (13):

Labcorp Genetics (formerly Invitae), Labcorp
Classification: Benign for Hereditary cancer-predisposing syndrome. Last evaluated: 2026-01-05. Review status: criteria provided, single submitter. Criteria: Invitae Variant Classification Sherloc (09022015). Collection method: clinical testing. Allele origin: germline.

Blueprint Genetics
Classification: Likely benign. Last evaluated: 2024-11-26. Review status: criteria provided, single submitter. Criteria: ACMG Guidelines, 2015. Collection method: clinical testing. Allele origin: germline.

Women's Health and Genetics/Laboratory Corporation of America, LabCorp
Classification: Benign. Last evaluated: 2021-01-30. Review status: criteria provided, single submitter. Criteria: LabCorp Variant Classification Summary - May 2015. Collection method: clinical testing. Allele origin: germline.
Comment: Variant summary: RAD50 c.1052-6delT alters a non-conserved nucleotide located close to a canonical splice site and therefore could affect mRNA splicing, leading to a significantly altered protein sequence. 4/4 computational tools predict no significant impact on normal splicing. However, these predictions have yet to be confirmed by functional studies. The variant allele was found at a frequency of 0.0026 in 181604 control chromosomes. The observed variant frequency is approximately 42 fold of the estimated maximal expected allele frequency for a pathogenic variant in RAD50 causing Hereditary Breast And Ovarian Cancer Syndrome phenotype (6.3e-05), strongly suggesting that the variant is benign. To our knowledge, no occurrence of c.1052-6delT in individuals affected with Hereditary Breast And Ovarian Cancer Syndrome and no experimental evidence demonstrating its impact on protein function have been reported. No clinical diagnostic laboratories have submitted clinical-significance assessments for this variant to ClinVar after 2014. Based on the evidence outlined above, the variant was classified as benign.

GeneDx
Classification: Benign. Last evaluated: 2015-03-03. Review status: criteria provided, single submitter. Criteria: GeneDx Variant Classification Process June 2021. Collection method: clinical testing. Allele origin: germline. Affected: yes.

Dr. Peter K. Rogan Lab, Western University
No classification provided (evidence only). Condition: Familial cancer of breast. Review status: no classification provided. Collection method: in vitro. Allele origin: not applicable. Functional consequence: retained intron. Not counted in ClinVar's aggregate classification.

Dr. Peter K. Rogan Lab, Western University
No classification provided (evidence only). Condition: Gastric cancer. Review status: no classification provided. Collection method: in vitro. Allele origin: not applicable. Functional consequence: retained intron. Not counted in ClinVar's aggregate classification.

Dr. Peter K. Rogan Lab, Western University
No classification provided (evidence only). Condition: Gastric cancer. Review status: no classification provided. Collection method: in vitro. Allele origin: not applicable. Functional consequence: retained intron. Not counted in ClinVar's aggregate classification.

Dr. Peter K. Rogan Lab, Western University
No classification provided (evidence only). Condition: Gastric cancer. Review status: no classification provided. Collection method: in vitro. Allele origin: not applicable. Functional consequence: retained intron. Not counted in ClinVar's aggregate classification.

Dr. Peter K. Rogan Lab, Western University
No classification provided (evidence only). Condition: Gastric cancer. Review status: no classification provided. Collection method: in vitro. Allele origin: not applicable. Functional consequence: retained intron. Not counted in ClinVar's aggregate classification.

Dr. Peter K. Rogan Lab, Western University
No classification provided (evidence only). Condition: Gastric cancer. Review status: no classification provided. Collection method: in vitro. Allele origin: not applicable. Functional consequence: retained intron. Not counted in ClinVar's aggregate classification.

Dr. Peter K. Rogan Lab, Western University
No classification provided (evidence only). Condition: Uterine corpus endometrial carcinoma. Review status: no classification provided. Collection method: in vitro. Allele origin: not applicable. Functional consequence: retained intron. Not counted in ClinVar's aggregate classification.

Dr. Peter K. Rogan Lab, Western University
No classification provided (evidence only). Condition: Malignant tumor of esophagus. Review status: no classification provided. Collection method: in vitro. Allele origin: not applicable. Functional consequence: retained intron. Not counted in ClinVar's aggregate classification.

Dr. Peter K. Rogan Lab, Western University
No classification provided (evidence only). Condition: Malignant tumor of esophagus. Review status: no classification provided. Collection method: in vitro. Allele origin: not applicable. Functional consequence: retained intron. Not counted in ClinVar's aggregate classification.

NM_005732.4(RAD50):c.1052-6del

Gene: RAD50 (RAD50 double strand break repair protein; plus strand). Cytogenetic location: 5q31.1.
Variant type: Deletion.
Coding change: c.1052-6del on transcript NM_005732.4 (MANE Select); 6 bases into the intron before coding-DNA position 1052, one base deleted (T; older notation c.1052-6delT).
Molecular consequence: intron variant.
Genome position (GRCh38, 1-based): chr5:132,588,681, T deleted; the last of 10 consecutive T bases (chr5:132,588,672-132,588,681); deleting any one gives the same sequence. VCF-style (leftmost placement, unchanged base first): chr5-132588671-AT-A. GRCh37 (hg19) VCF-style: chr5-131924363-AT-A.
Other names: NC_000005.9:g.131924373del.
Identifiers: ClinVar variation 996252 (VCV000996252.14), dbSNP rs201800554, ClinGen allele CA3405107.